The following is an entry in ClinVar:

ClinVar aggregate classification (germline): Uncertain significance. Review status: criteria provided, multiple submitters, no conflicts (2 of 4 stars). 2 submissions from 2 submitters: Uncertain significance (2). Last evaluated 2026-06-04.

Conditions:
ROBO3-related disorder. Also called: ROBO3-related condition.
Inborn genetic diseases. Identifiers: MedGen C0950123, MeSH D030342.

Allele frequency attached by ClinVar (database versions not stated): gnomAD exomes below 0.00001; TOPMed below 0.00001.
gnomAD v4.1: 2 of 1,494,814 alleles (0.00013%); highest among the groups gnomAD compares: Admixed American, 0.0018%; no homozygotes.

Submissions (2):

PreventionGenetics, part of Exact Sciences
Classification: Uncertain significance for ROBO3-related condition. Last evaluated: 2026-06-04. Review status: criteria provided, single submitter. Criteria: ACMG Guidelines, 2015. Collection method: clinical testing. Allele origin: germline.
Comment: The ROBO3 c.2287A>G variant is predicted to result in the amino acid substitution p.Ile763Val. To our knowledge, this variant has not been reported in the literature. This variant is reported in 0.0065% of alleles in individuals of African descent in gnomAD. At this time, the clinical significance of this variant is uncertain due to the absence of conclusive functional and genetic evidence.

Ambry Genetics
Classification: Uncertain significance for Inborn genetic diseases. Last evaluated: 2021-10-05. Review status: criteria provided, single submitter. Criteria: Ambry Variant Classification Scheme 2023. Collection method: clinical testing. Allele origin: germline.

NM_022370.4(ROBO3):c.2287A>G (p.Ile763Val)

Gene: ROBO3 (roundabout guidance receptor 3; plus strand). Cytogenetic location: 11q24.2.
Variant type: single nucleotide variant.
Coding change: c.2287A>G on transcript NM_022370.4 (MANE Select); coding-DNA position 2287, A replaced by G.
Protein change: p.Ile763Val; replaces isoleucine 763 with valine.
Molecular consequence: missense variant.
Genome position (GRCh38, 1-based): chr11:124,875,324, A>G. VCF-style: chr11-124875324-A-G. GRCh37 (hg19) VCF-style: chr11-124745220-A-G.
Other names: short protein forms I763V.
Identifiers: ClinVar variation 2253047 (VCV002253047.3), dbSNP rs1378190602, ClinGen allele CA383146964.
Genomic context (GRCh38, chr11:124,875,324, plus strand): 5'-AAGGTGCAAGCCCAAGGCCAGGAGGGGCTGGGGGCTGAAAGCCTCTCTGTGACCAGGAGC[A>G]TTCCTGAGGAGGGTAAGGAGGGCCACCGAACAGATGGATGGACAAGAGGGAAGAAGGGGT-3'
Protein context (NP_071765.2, residues 753-773): GAESLSVTRS[Ile763Val]PEEAPSGPPQ